The following is an entry in ClinVar:

ClinVar aggregate classification (germline): Benign/Likely benign. Review status: criteria provided, multiple submitters, no conflicts (2 of 4 stars). 11 submissions from 11 submitters: Benign (3); Likely benign (6). 2 of the submissions do not count toward it. Last evaluated 2026-02-01.

Conditions:
Cardiovascular phenotype. Identifiers: MedGen CN230736.
Long QT syndrome (LQTS). Identifiers: MedGen C0023976, MeSH D008133, MONDO:0002442. Disease mechanism: loss of function. Inheritance: Various modes of inheritance.
Cardiac arrhythmia, ankyrin-B-related. Also called: ANKYRIN-B SYNDROME. Identifiers: Orphanet 101016, Orphanet 768, MedGen C1970119, MONDO:0010958, OMIM 600919.

Allele frequency attached by ClinVar (database versions not stated): ExAC 0.00066; gnomAD exomes 0.00066; 1000 Genomes Project 0.00160; gnomAD 0.00178; 1000 Genomes Project 30x 0.00187; ESP Exome Variant Server 0.00231; TOPMed 0.00236.
gnomAD v4.1: 665 of 1,614,074 alleles (0.041%); highest among the groups gnomAD compares: African/African-American, 0.74%; 4 homozygotes.

Submissions (11):

Labcorp Genetics (formerly Invitae), Labcorp
Classification: Benign for Long QT syndrome. Last evaluated: 2026-02-01. Review status: criteria provided, single submitter. Criteria: Invitae Variant Classification Sherloc (09022015). Collection method: clinical testing. Allele origin: germline.

Molecular Diagnostic Laboratory for Inherited Cardiovascular Disease, Montreal Heart Institute
Classification: Likely benign. Last evaluated: 2025-07-24. Review status: criteria provided, single submitter. Criteria: ACMG Guidelines, 2015. Collection method: clinical testing. Allele origin: germline. Affected: no.

Mayo Clinic Laboratories, Mayo Clinic
Classification: Likely benign. Last evaluated: 2025-02-12. Review status: criteria provided, single submitter. Criteria: ACMG Guidelines, 2015. Collection method: clinical testing. Allele origin: germline. Observed: 5 variant alleles.
Comment: BS1, BP4_moderate

CeGaT Center for Human Genetics Tuebingen
Classification: Benign. Last evaluated: 2024-09-01. Review status: criteria provided, single submitter. Criteria: CeGaT Center For Human Genetics Tuebingen Variant Classification Criteria Version 2. Collection method: clinical testing. Allele origin: germline. Affected: yes. Observed: 2 variant alleles.
Comment: ANK2: BP4, BS1, BS2

Blueprint Genetics
Classification: Likely benign. Last evaluated: 2024-07-01. Review status: criteria provided, single submitter. Criteria: ACMG Guidelines, 2015. Collection method: clinical testing. Allele origin: germline.

Genome-Nilou Lab
Classification: Benign for Cardiac arrhythmia, ankyrin-B-related. Last evaluated: 2021-12-05. Review status: criteria provided, single submitter. Criteria: ACMG Guidelines, 2015. Collection method: clinical testing. Allele origin: germline. Affected: no.

GeneDx
Classification: Likely benign. Last evaluated: 2021-06-02. Review status: criteria provided, single submitter. Criteria: GeneDx Variant Classification Process June 2021. Collection method: clinical testing. Allele origin: germline. Affected: yes.
Comment: This variant is associated with the following publications: (PMID: 27930701)

Ambry Genetics
Classification: Likely benign for Cardiovascular phenotype. Last evaluated: 2018-09-21. Review status: criteria provided, single submitter. Criteria: Ambry Variant Classification Scheme 2023. Collection method: clinical testing. Allele origin: germline.

Illumina Laboratory Services, Illumina
Classification: Likely benign for Cardiac arrhythmia, ankyrin-B-related. Last evaluated: 2018-01-13. Review status: criteria provided, single submitter. Criteria: ICSL Variant Classification Criteria 13 December 2019. Collection method: clinical testing. Allele origin: germline.
Comment: This variant was observed in the ICSL laboratory as part of a predisposition screen in an ostensibly healthy population. It had not been previously curated by ICSL or reported in the Human Gene Mutation Database (HGMD: prior to June 1st, 2018), and was therefore a candidate for classification through an automated scoring system. Utilizing variant allele frequency, disease prevalence and penetrance estimates, and inheritance mode, an automated score was calculated to assess if this variant is too frequent to cause the disease. Based on the score and internal cut-off values, a variant classified as likely benign is not then subjected to further curation. The score for this variant resulted in a classification of likely benign for this disease.

Clinical Genetics, Academic Medical Center
Classification: Benign. Review status: no assertion criteria provided. Collection method: clinical testing. Allele origin: germline. Affected: yes. Study: VKGL Data-share Consensus. Not counted in ClinVar's aggregate classification.

Genome Diagnostics Laboratory, University Medical Center Utrecht
Classification: Benign. Review status: no assertion criteria provided. Collection method: clinical testing. Allele origin: germline. Affected: yes. Study: VKGL Data-share Consensus. Not counted in ClinVar's aggregate classification.

Literature cited by the submitters: PubMed 27930701 (cited by Mayo Clinic Laboratories, Mayo Clinic).

NM_001148.6(ANK2):c.11465G>C (p.Gly3822Ala)

Gene: ANK2 (ankyrin 2; plus strand). Cytogenetic location: 4q26.
Variant type: single nucleotide variant.
Coding change: c.11465G>C on transcript NM_001148.6 (MANE Select); coding-DNA position 11465, G replaced by C.
Protein change: p.Gly3822Ala; replaces glycine 3822 with alanine.
Molecular consequence: missense variant.
Genome position (GRCh38, 1-based): chr4:113,369,660, G>C. VCF-style: chr4-113369660-G-C. GRCh37 (hg19) VCF-style: chr4-114290816-G-C.
Other names: p.G3822A:GGC>GCC; p.Gly1737Ala; c.5183G>C, p.Gly1728Ala (NM_001127493.3); c.5222G>C, p.Gly1741Ala (NM_001354225.2); c.5111G>C, p.Gly1704Ala (NM_001354228.2, NM_001354258.2); c.5189G>C, p.Gly1730Ala (NM_001354230.2); c.5252G>C, p.Gly1751Ala (NM_001354231.2, NM_001354242.2); c.5246G>C, p.Gly1749Ala (NM_001354232.2); and 39 more; short protein forms G1728A, G3822A, G1637A, G1659A, G1662A, G1682A, G1703A, G1704A.
Identifiers: ClinVar variation 190532 (VCV000190532.49), dbSNP rs79577190, ClinGen allele CA300729.